The following is an entry in ClinVar:

ClinVar aggregate classification (germline): Uncertain significance (1 of 4 stars; one submission).

Allele frequency attached by ClinVar (database versions not stated): gnomAD 0.00001; ExAC 0.00002; gnomAD exomes 0.00003; TOPMed 0.00005.
gnomAD v4.1: 8 of 1,613,964 alleles (0.0005%); highest among the groups gnomAD compares: Admixed American, 0.013%; no homozygotes.

Submission:

Labcorp Genetics (formerly Invitae), Labcorp
Classification: Uncertain significance. Last evaluated: 2022-03-24. Review status: criteria provided, single submitter. Criteria: Invitae Variant Classification Sherloc (09022015). Collection method: clinical testing. Allele origin: germline.
Comment: This sequence change replaces glycine, which is neutral and non-polar, with alanine, which is neutral and non-polar, at codon 185 of the ARHGEF18 protein (p.Gly185Ala). This variant is present in population databases (rs780160325, gnomAD 0.02%). This variant has not been reported in the literature in individuals affected with ARHGEF18-related conditions. Algorithms developed to predict the effect of missense changes on protein structure and function are either unavailable or do not agree on the potential impact of this missense change (SIFT: "Deleterious"; PolyPhen-2: "Benign"; Align-GVGD: "Class C55"). In summary, the available evidence is currently insufficient to determine the role of this variant in disease. Therefore, it has been classified as a Variant of Uncertain Significance.

NM_001367823.1(ARHGEF18):c.1118G>C (p.Gly373Ala)

Gene: ARHGEF18 (Rho/Rac guanine nucleotide exchange factor 18; plus strand). Cytogenetic location: 19p13.2.
Variant type: single nucleotide variant.
Coding change: c.1118G>C on transcript NM_001367823.1 (MANE Select); coding-DNA position 1118, G replaced by C.
Protein change: p.Gly373Ala; replaces glycine 373 with alanine.
Molecular consequence: missense variant.
Genome position (GRCh38, 1-based): chr19:7,441,664, G>C. VCF-style: chr19-7441664-G-C. GRCh37 (hg19) VCF-style: chr19-7506550-G-C.
Other names: c.392G>C, p.Gly131Ala (NM_001130955.2); c.80G>C, p.Gly27Ala (NM_001367824.1, NM_015318.4); short protein forms G131A, G27A, G373A.
Identifiers: ClinVar variation 1463430 (VCV001463430.6), dbSNP rs780160325, ClinGen allele CA9136356.